The following is an entry in ClinVar:

NM_145199.3(LIPT1):c.212C>T (p.Ser71Phe)

Genes: LIPT1 (lipoyltransferase 1; plus strand), MITD1 (microtubule interacting and trafficking domain containing 1; minus strand). Cytogenetic location: 2q11.2.
Variant type: single nucleotide variant.
Coding change: c.212C>T on transcript NM_145199.3 (MANE Select); coding-DNA position 212, C replaced by T.
Protein change: p.Ser71Phe; replaces serine 71 with phenylalanine.
Molecular consequence: missense variant. On other transcripts: non-coding transcript variant (2).
Genome position (GRCh38, 1-based): chr2:99,162,169, C>T. VCF-style: chr2-99162169-C-T. GRCh37 (hg19) VCF-style: chr2-99778632-C-T.
Other names: c.212C>T, p.Ser71Phe (NM_001204830.2, NM_015929.4, NM_145197.3 and 1 more transcripts); short protein forms S71F.
Identifiers: ClinVar variation 189835 (VCV000189835.7), dbSNP rs767568897, ClinGen allele CA199524.

ClinVar aggregate classification (germline): Likely pathogenic. Review status: criteria provided, multiple submitters, no conflicts (2 of 4 stars). 3 submissions from 3 submitters: Likely pathogenic (2). 1 of the submissions does not count toward it. Last evaluated 2024-07-05.

Conditions:
Lipoyl transferase 1 deficiency. Also called: Lipoyltransferase 1 deficiency. Identifiers: Orphanet 401862, MedGen C4225379, MONDO:0014576, OMIM 616299.

Allele frequency attached by ClinVar (database versions not stated): gnomAD 0.00001; TOPMed 0.00001.
gnomAD v4.1: 22 of 1,613,860 alleles (0.0014%); highest among the groups gnomAD compares: Admixed American, 0.03%; no homozygotes.

Submissions (3):

GeneDx
Classification: Likely pathogenic. Last evaluated: 2024-07-05. Review status: criteria provided, single submitter. Criteria: GeneDx Variant Classification Process June 2021. Collection method: clinical testing. Allele origin: germline. Affected: yes.
Comment: Reported as compound heterozygous with another variant in LIPT1 on the opposite allele in individuals with lipoyltransferase 1 deficiency (PMID: 24256811, 28973083); Functional assays on an in vitro expressing system demonstrated that the p.(S71F) variant causes an absence of protein-bound lipoic acid staining compared to WT; assays on patient's fibroblasts supported the defect of this variant on enzymatic activity (PMID: 24256811); In silico analysis supports that this missense variant has a deleterious effect on protein structure/function; This variant is associated with the following publications: (PMID: 24256811, 29681092, 34440436, 28973083)

Elsea Laboratory, Baylor College of Medicine
Classification: Likely pathogenic for Lipoyl transferase 1 deficiency. Last evaluated: 2020-04-01. Review status: criteria provided, single submitter. Criteria: ACMG Guidelines, 2015. Collection method: clinical testing. Allele origin: paternal. Affected: yes.

OMIM
Classification: Pathogenic for LIPOYLTRANSFERASE 1 DEFICIENCY. Last evaluated: 2014-04-01. Review status: no assertion criteria provided. Collection method: literature only. Allele origin: germline. Not counted in ClinVar's aggregate classification.

Literature cited by the submitters: PubMed 24256811 (cited by OMIM).